The following is an entry in ClinVar:

NM_144670.6(A2ML1):c.3397A>G (p.Asn1133Asp)

Gene: A2ML1 (alpha-2-macroglobulin like 1; plus strand). Cytogenetic location: 12p13.31.
Variant type: single nucleotide variant.
Coding change: c.3397A>G on transcript NM_144670.6 (MANE Select); coding-DNA position 3397, A replaced by G.
Protein change: p.Asn1133Asp; replaces asparagine 1133 with aspartic acid.
Molecular consequence: missense variant.
Genome position (GRCh38, 1-based): chr12:8,861,192, A>G. VCF-style: chr12-8861192-A-G. GRCh37 (hg19) VCF-style: chr12-9013788-A-G.
Other names: c.1924A>G, p.Asn642Asp (NM_001282424.3); short protein forms N642D, N1133D.
Identifiers: ClinVar variation 3502029 (VCV003502029.1).
Genomic context (GRCh38, chr12:8,861,192, plus strand): 5'-TAGGACCCAATGGTGAGTCAGGGTCTACGGTGTCTCAAGAATTCGGCCACCTCCACGACC[A>G]ACCTCTACACACAGGCCCTGTTGGCTTACATTTTCTCCCTGGCTGGGGAAATGGACATCA-3'
Protein context (NP_653271.3, residues 1123-1143): CLKNSATSTT[Asn1133Asp]LYTQALLAYI

ClinVar aggregate classification (germline): Uncertain significance (1 of 4 stars; one submission).

gnomAD v4.1: 5 of 1,613,830 alleles (0.00031%); highest among the groups gnomAD compares: African/African-American, 0.0067%; 1 homozygote.

Submission:

Ambry Genetics
Classification: Uncertain significance. Last evaluated: 2024-10-08. Review status: criteria provided, single submitter. Criteria: Ambry Variant Classification Scheme 2023. Collection method: clinical testing. Allele origin: germline.
Comment: The p.N1133D variant (also known as c.3397A>G), located in coding exon 28 of the A2ML1 gene, results from an A to G substitution at nucleotide position 3397. The asparagine at codon 1133 is replaced by aspartic acid, an amino acid with highly similar properties. This amino acid position is conserved. In addition, this alteration is predicted to be tolerated by in silico analysis. Based on the available evidence, the clinical significance of this variant remains unclear.